The following is an entry in ClinVar:

NM_020812.4(DOCK6):c.2772C>G (p.Arg924=)

Gene: DOCK6 (dedicator of cytokinesis 6; minus strand). Cytogenetic location: 19p13.2.
Variant type: single nucleotide variant.
Coding change: c.2772C>G on transcript NM_020812.4 (MANE Select); coding-DNA position 2772, C replaced by G.
Protein change: p.Arg924=; no amino-acid change (arginine 924 retained).
Molecular consequence: synonymous variant.
Genome position (GRCh38, 1-based): chr19:11,228,982, G>C on the plus strand (C>G on the coding strand, the complement: DOCK6 is on the minus strand). VCF-style: chr19-11228982-G-C. GRCh37 (hg19) VCF-style: chr19-11339658-G-C.
Other names: c.2877C>G, p.Arg959= (NM_001367830.1).
Identifiers: ClinVar variation 730995 (VCV000730995.13), dbSNP rs201482446, ClinGen allele CA9207492.

ClinVar aggregate classification (germline): Benign/Likely benign. Review status: criteria provided, multiple submitters, no conflicts (2 of 4 stars). 3 submissions from 3 submitters: Benign (1); Likely benign (1). 1 of the submissions does not count toward it. Last evaluated 2025-12-09.

Conditions:
DOCK6-related disorder. Also called: DOCK6-related condition.

Allele frequency attached by ClinVar (database versions not stated): ESP Exome Variant Server 0.00086; TOPMed 0.00089; 1000 Genomes Project 0.00120; 1000 Genomes Project 30x 0.00156.

Submissions (3):

Labcorp Genetics (formerly Invitae), Labcorp
Classification: Benign. Last evaluated: 2025-12-09. Review status: criteria provided, single submitter. Criteria: Invitae Variant Classification Sherloc (09022015). Collection method: clinical testing. Allele origin: germline.

Blueprint Genetics
Classification: Likely benign. Last evaluated: 2024-11-08. Review status: criteria provided, single submitter. Criteria: ACMG Guidelines, 2015. Collection method: clinical testing. Allele origin: germline.

PreventionGenetics, part of Exact Sciences
Classification: Likely benign for DOCK6-related condition. Last evaluated: 2019-12-10. Review status: no assertion criteria provided. Collection method: clinical testing. Allele origin: germline. Not counted in ClinVar's aggregate classification.
Comment: This variant is classified as likely benign based on ACMG/AMP sequence variant interpretation guidelines (Richards et al. 2015 PMID: 25741868, with internal and published modifications).